The following is an entry in ClinVar:

ClinVar aggregate classification (germline): Uncertain significance (1 of 4 stars; one submission).

Conditions:
PLXNA4-related disorder. Also called: PLXNA4-related condition.

Submission:

PreventionGenetics, part of Exact Sciences
Classification: Uncertain significance for PLXNA4-related condition. Last evaluated: 2024-12-13. Review status: criteria provided, single submitter. Criteria: ACMG Guidelines, 2015. Collection method: clinical testing. Allele origin: germline.
Comment: The PLXNA4 c.4950G>T variant is predicted to result in the amino acid substitution p.Lys1650Asn. To our knowledge, this variant has not been reported in the literature or in a large population database (gnomAD), indicating this variant is rare. At this time, the clinical significance of this variant is uncertain due to the absence of conclusive functional and genetic evidence.

NM_020911.2(PLXNA4):c.4950G>T (p.Lys1650Asn)

Gene: PLXNA4 (plexin A4; minus strand). Cytogenetic location: 7q32.3.
Variant type: single nucleotide variant.
Coding change: c.4950G>T on transcript NM_020911.2 (MANE Select); coding-DNA position 4950, G replaced by T.
Protein change: p.Lys1650Asn; replaces lysine 1650 with asparagine.
Molecular consequence: missense variant.
Genome position (GRCh38, 1-based): chr7:132,146,615, C>A on the plus strand (G>T on the coding strand, the complement: PLXNA4 is on the minus strand). VCF-style: chr7-132146615-C-A. GRCh37 (hg19) VCF-style: chr7-131831374-C-A.
Other names: c.4950G>T, p.Lys1650Asn (NM_001393897.1); short protein forms K1650N.
Identifiers: ClinVar variation 5000834 (VCV005000834.1).
Genomic context (GRCh38, chr7:132,146,615, plus strand): 5'-GCTCCCCCGGTCCCCCTCCTTCTGGTCTCCGTGCTCGTGGTTCTTCACTAGGTGCCACAT[C>A]TTGACTCCACTCTCCAGGTCAGGAGTGATCATAGGTGTCCGTGAGCGGAGGCTGTCGGGG-3'
Protein context (NP_065962.1, residues 1640-1660): MITPDLESGV[Lys1650Asn]MWHLVKNHEH